The following is an entry in ClinVar:

NM_001323289.2(CDKL5):c.2152+1G>C

Gene: CDKL5 (cyclin dependent kinase like 5; plus strand). Cytogenetic location: Xp22.13.
Variant type: single nucleotide variant.
Coding change: c.2152+1G>C on transcript NM_001323289.2 (MANE Select); the canonical splice donor site of the intron after coding-DNA position 2152, G replaced by C.
Molecular consequence: splice donor variant.
Genome position (GRCh38, 1-based): chrX:18,609,571, G>C. VCF-style: chrX-18609571-G-C. GRCh37 (hg19) VCF-style: chrX-18627691-G-C.
Other names: c.2152+1G>C (NM_003159.3, NM_001037343.2).
Identifiers: ClinVar variation 3764096 (VCV003764096.2).

ClinVar aggregate classification (germline): Pathogenic (1 of 4 stars; one submission).

Conditions:
Developmental and epileptic encephalopathy, 2 (DEE2). Also called: CDKL5 deficiency disorder; INFANTILE SPASM SYNDROME, X-LINKED 2. Identifiers: Orphanet 1934, Orphanet 3451, Orphanet 505652, MedGen C4750718, MONDO:0010396, OMIM 300672.

Submission:

Suma Genomics
Classification: Pathogenic for Developmental and epileptic encephalopathy, 2. Review status: criteria provided, single submitter. Criteria: ACMG Guidelines, 2015. Collection method: clinical testing. Allele origin: de novo. Inheritance: X-linked inheritance. Affected: yes. Observed: 1 heterozygote.
Comment: A splice variant c.2152+1G>C (g.18609571G>C) is observed in intron 14 of CDKL5 in heterozygous state. This variant is not observed in the gnomAD database. In-silico analysis tool SpliceAI predicts this variant in CDKL5 to cause aberrant splicing. ACMG criteria met: PVS1:Null variant in a gene where the loss of function is a known mechanism of disease PM6: De novo variant PM2_Supporting: Extremely low frequency in gnomAD population databases